The following is an entry in ClinVar:

ClinVar aggregate classification (germline): Benign. Review status: criteria provided, multiple submitters, no conflicts (2 of 4 stars). 4 submissions from 4 submitters: Benign (3). 1 of the submissions does not count toward it. Last evaluated 2026-01-28.

Conditions:
C2CD3-related disorder. Also called: C2CD3-related condition.

Allele frequency attached by ClinVar (database versions not stated): 1000 Genomes Project 0.00479; 1000 Genomes Project 30x 0.00547; TOPMed 0.01014; gnomAD 0.01190 and 0.01225; gnomAD exomes 0.01191 and 0.01689; ExAC 0.01211; ESP Exome Variant Server 0.01309.
gnomAD v4.1: 26,256 of 1,607,050 alleles (1.6%); highest among the groups gnomAD compares: Non-Finnish European, 1.9%; 242 homozygotes.

Submissions (4):

Labcorp Genetics (formerly Invitae), Labcorp
Classification: Benign. Last evaluated: 2026-01-28. Review status: criteria provided, single submitter. Criteria: Invitae Variant Classification Sherloc (09022015). Collection method: clinical testing. Allele origin: germline.

Mayo Clinic Laboratories, Mayo Clinic
Classification: Benign. Last evaluated: 2025-06-27. Review status: criteria provided, single submitter. Criteria: ACMG Guidelines, 2015. Collection method: clinical testing. Allele origin: germline. Observed: 4 variant alleles.
Comment: BS1, BS2, BP4

Breakthrough Genomics
Classification: Benign. Review status: criteria provided, single submitter. Criteria: ACMG Guidelines, 2015. Collection method: not provided. Allele origin: germline. Inheritance: Autosomal recessive inheritance. Affected: yes.

PreventionGenetics, part of Exact Sciences
Classification: Benign for C2CD3-related condition. Last evaluated: 2019-04-12. Review status: no assertion criteria provided. Collection method: clinical testing. Allele origin: germline. Not counted in ClinVar's aggregate classification.
Comment: This variant is classified as benign based on ACMG/AMP sequence variant interpretation guidelines (Richards et al. 2015 PMID: 25741868, with internal and published modifications).

NM_001286577.2(C2CD3):c.718C>G (p.His240Asp)

Gene: C2CD3 (C2 domain containing 3 centriole elongation regulator; minus strand). Cytogenetic location: 11q13.4.
Variant type: single nucleotide variant.
Coding change: c.718C>G on transcript NM_001286577.2 (MANE Select); coding-DNA position 718, C replaced by G.
Protein change: p.His240Asp; replaces histidine 240 with aspartic acid.
Molecular consequence: missense variant.
Genome position (GRCh38, 1-based): chr11:74,138,957, G>C on the plus strand (C>G on the coding strand, the complement: C2CD3 is on the minus strand). VCF-style: chr11-74138957-G-C. GRCh37 (hg19) VCF-style: chr11-73850002-G-C.
Other names: p.His240Asp; c.718C>G, p.His240Asp (NM_015531.6); c.718C>G (NM_001286577.1, NM_015531.5); short protein forms H240D.
Identifiers: ClinVar variation 1552249 (VCV001552249.12), dbSNP rs72984881, ClinGen allele CA6183134.